The following is an entry in ClinVar:

ClinVar aggregate classification (germline): Uncertain significance (1 of 4 stars; one submission).

Submission:

Labcorp Genetics (formerly Invitae), Labcorp
Classification: Uncertain significance. Last evaluated: 2021-05-04. Review status: criteria provided, single submitter. Criteria: Invitae Variant Classification Sherloc (09022015). Collection method: clinical testing. Allele origin: germline.
Comment: This sequence change replaces serine with arginine at codon 1816 of the LCT protein (p.Ser1816Arg). The serine residue is moderately conserved and there is a moderate physicochemical difference between serine and arginine. This variant is not present in population databases (ExAC no frequency). This variant has not been reported in the literature in individuals with LCT-related conditions. Algorithms developed to predict the effect of missense changes on protein structure and function are either unavailable or do not agree on the potential impact of this missense change (SIFT: "Not Available"; PolyPhen-2: "Possibly Damaging"; Align-GVGD: "Not Available"). In summary, the available evidence is currently insufficient to determine the role of this variant in disease. Therefore, it has been classified as a Variant of Uncertain Significance.

NM_002299.4(LCT):c.5448T>G (p.Ser1816Arg)

Gene: LCT (lactase; minus strand). Cytogenetic location: 2q21.3.
Variant type: single nucleotide variant.
Coding change: c.5448T>G on transcript NM_002299.4 (MANE Select); coding-DNA position 5448, T replaced by G.
Protein change: p.Ser1816Arg; replaces serine 1816 with arginine.
Molecular consequence: missense variant.
Genome position (GRCh38, 1-based): chr2:135,789,686, A>C on the plus strand (T>G on the coding strand, the complement: LCT is on the minus strand). VCF-style: chr2-135789686-A-C. GRCh37 (hg19) VCF-style: chr2-136547256-A-C.
Other names: short protein forms S1816R.
Identifiers: ClinVar variation 1471626 (VCV001471626.6), dbSNP rs2105516348, ClinGen allele CA348586454.